The following is an entry in ClinVar:

NM_000748.3(CHRNB2):c.1171_1180delinsCTGACCGACTCCTGCA (p.Val391_Ala394delinsLeuThrAspSerCysThr)

Gene: CHRNB2 (cholinergic receptor nicotinic beta 2 subunit; plus strand). Cytogenetic location: 1q21.3.
Variant type: Indel.
Coding change: c.1171_1180delinsCTGACCGACTCCTGCA on transcript NM_000748.3 (MANE Select); coding-DNA positions 1171 to 1180, GTCAACCGCG replaced by CTGACCGACTCCTGCA.
Protein change: p.Val391_Ala394delinsLeuThrAspSerCysThr.
Molecular consequence: inframe indel.
Genome position (GRCh38, 1-based): chr1:154,571,994-154,572,003, GTCAACCGCG replaced by CTGACCGACTCCTGCA. VCF-style: chr1-154571994-GTCAACCGCG-CTGACCGACTCCTGCA. GRCh37 (hg19) VCF-style: chr1-154544470-GTCAACCGCG-CTGACCGACTCCTGCA.
Identifiers: ClinVar variation 205079 (VCV000205079.8), dbSNP rs796052331, ClinGen allele CA313675.

ClinVar aggregate classification (germline): Uncertain significance. Review status: criteria provided, multiple submitters, no conflicts (2 of 4 stars). 2 submissions from 2 submitters: Uncertain significance (2). Last evaluated 2025-11-01.

Submissions (2):

CeGaT Center for Human Genetics Tuebingen
Classification: Uncertain significance. Last evaluated: 2025-11-01. Review status: criteria provided, single submitter. Criteria: CeGaT Center For Human Genetics Tuebingen Variant Classification Criteria Version 2. Collection method: clinical testing. Allele origin: germline. Affected: yes. Observed: 2 variant alleles.
Comment: CHRNB2: PM2, PM4

GeneDx
Classification: Uncertain significance. Last evaluated: 2017-01-09. Review status: criteria provided, single submitter. Criteria: GeneDx Variant Classification (06012015). Collection method: clinical testing. Allele origin: germline. Affected: yes.
Comment: The novel c.1171_1180del10ins16 variant has not been published as a pathogenic variant, nor has it been reported as a benign polymorphism to our knowledge. It results in an in-frame deletion of four amino acids and an insertion of six incorrect amino acids in the cytoplasmic domain of the protein. The c.1171_1180del10ins16 variant is not observed in the Exome Aggregation Consortium (ExAC) data set (Lek et al., 2016). However, to our knowledge, all pathogenic variants in CHRNB2 are missense variants within the transmembrane region of the protein and this indel occurs outside of this region (Steinlein et al., 2010). Therefore, based on the currently available information, it is unclear whether c.1171_1180del10ins16 is a pathogenic variant or a rare benign variant.